The following is an entry in ClinVar:

NM_019066.5(MAGEL2):c.1109C>A (p.Ala370Glu)

Gene: MAGEL2 (MAGE family member L2; minus strand). Cytogenetic location: 15q11.2.
Variant type: single nucleotide variant.
Coding change: c.1109C>A on transcript NM_019066.5 (MANE Select); coding-DNA position 1109, C replaced by A.
Protein change: p.Ala370Glu; replaces alanine 370 with glutamic acid.
Molecular consequence: missense variant.
Genome position (GRCh38, 1-based): chr15:23,646,634, G>T on the plus strand (C>A on the coding strand, the complement: MAGEL2 is on the minus strand). VCF-style: chr15-23646634-G-T. GRCh37 (hg19) VCF-style: chr15-23891781-G-T.
Other names: short protein forms A370E.
Identifiers: ClinVar variation 3353201 (VCV003353201.2).

ClinVar aggregate classification (germline): Uncertain significance. Review status: criteria provided, single submitter (1 of 4 stars). 2 submissions from 2 submitters: Uncertain significance (1). 1 of the submissions does not count toward it. Last evaluated 2025-02-06.

Conditions:
MAGEL2-related disorder. Also called: MAGEL2-related condition.
Inborn genetic diseases. Identifiers: MedGen C0950123, MeSH D030342.

gnomAD v4.1: 12 of 1,477,978 alleles (0.00081%); highest among the groups gnomAD compares: African/African-American, 0.0014%; no homozygotes.

Submissions (2):

Ambry Genetics
Classification: Uncertain significance for Inborn genetic diseases. Last evaluated: 2025-02-06. Review status: criteria provided, single submitter. Criteria: Ambry Variant Classification Scheme 2023. Collection method: clinical testing. Allele origin: germline.

PreventionGenetics, part of Exact Sciences
Classification: Uncertain significance for MAGEL2-related condition. Last evaluated: 2024-04-23. Review status: no assertion criteria provided. Collection method: clinical testing. Allele origin: germline. Not counted in ClinVar's aggregate classification.
Comment: The MAGEL2 c.1109C>A variant is predicted to result in the amino acid substitution p.Ala370Glu. To our knowledge, this variant has not been reported in the literature. This variant is reported in 0.0067% of alleles in individuals of African descent in gnomAD. At this time, the clinical significance of this variant is uncertain due to the absence of conclusive functional and genetic evidence.